The following is an entry in ClinVar:

NM_025074.7(FRAS1):c.7989G>A (p.Ala2663=)

Gene: FRAS1 (Fraser extracellular matrix complex subunit 1; plus strand). Cytogenetic location: 4q21.21.
Variant type: single nucleotide variant.
Coding change: c.7989G>A on transcript NM_025074.7 (MANE Select); coding-DNA position 7989, G replaced by A.
Protein change: p.Ala2663=; no amino-acid change (alanine 2663 retained).
Molecular consequence: synonymous variant.
Genome position (GRCh38, 1-based): chr4:78,477,952, G>A. VCF-style: chr4-78477952-G-A. GRCh37 (hg19) VCF-style: chr4-79399106-G-A.
Other names: c.7989G>A (NM_025074.6).
Identifiers: ClinVar variation 2182456 (VCV002182456.6), dbSNP rs373264111, ClinGen allele CA2978261.

ClinVar aggregate classification (germline): Likely benign. Review status: criteria provided, single submitter (1 of 4 stars). 2 submissions from 2 submitters: Likely benign (1). 1 of the submissions does not count toward it. Last evaluated 2025-06-12.

Conditions:
FRAS1-related disorder. Also called: FRAS1-related condition.

Allele frequency attached by ClinVar (database versions not stated): TOPMed 0.00019; ESP Exome Variant Server 0.00025; gnomAD 0.00025; 1000 Genomes Project 30x 0.00031; 1000 Genomes Project 0.00040.
gnomAD v4.1: 95 of 1,613,480 alleles (0.0059%); highest among the groups gnomAD compares: African/African-American, 0.069%; 1 homozygote.

Submissions (2):

Labcorp Genetics (formerly Invitae), Labcorp
Classification: Likely benign. Last evaluated: 2025-06-12. Review status: criteria provided, single submitter. Criteria: Invitae Variant Classification Sherloc (09022015). Collection method: clinical testing. Allele origin: germline.

PreventionGenetics, part of Exact Sciences
Classification: Likely benign for FRAS1-related condition. Last evaluated: 2021-01-21. Review status: no assertion criteria provided. Collection method: clinical testing. Allele origin: germline. Not counted in ClinVar's aggregate classification.
Comment: This variant is classified as likely benign based on ACMG/AMP sequence variant interpretation guidelines (Richards et al. 2015 PMID: 25741868, with internal and published modifications).